The following is an entry in ClinVar:

NM_000179.3(MSH6):c.168G>C (p.Gly56=)

Gene: MSH6 (mutS homolog 6; plus strand). Cytogenetic location: 2p16.3.
Variant type: single nucleotide variant.
Coding change: c.168G>C on transcript NM_000179.3 (MANE Select); coding-DNA position 168, G replaced by C.
Protein change: p.Gly56=; no amino-acid change (glycine 56 retained).
Molecular consequence: synonymous variant. On other transcripts: 5 prime UTR variant (7), missense variant (1), non-coding transcript variant (5), intron variant (5).
Genome position (GRCh38, 1-based): chr2:47,783,401, G>C. VCF-style: chr2-47783401-G-C. GRCh37 (hg19) VCF-style: chr2-48010540-G-C.
Other names: c.168G>C, p.Gly56= (NM_001281492.2, NM_001406795.1, NM_001406796.1 and 9 more transcripts); c.-569G>C (NM_001281493.2, NM_001406811.1); c.-161G>C (NM_001406799.1); c.113G>C, p.Gly38Ala (NM_001406804.1); c.-761G>C (NM_001406807.1); c.-416G>C (NM_001406812.1); c.-827G>C (NM_001406814.1); c.-372G>C (NM_001406816.1); and 3 more; short protein forms G38A.
Identifiers: ClinVar variation 3903500 (VCV003903500.1).
Genomic context (GRCh38, chr2:47,783,401, plus strand): 5'-TGCCCCCGGGGCCTCTCCTTCCCCAGGCGGGGATGCGGCCTGGAGCGAGGCTGGGCCTGG[G>C]CCCAGGCCCTTGGCGCGCTCCGCGTCACCGCCCAAGGCGAAGAACCTCAACGGAGGGCTG-3'
Protein context (NP_000170.1, residues 46-66): GDAAWSEAGP[Gly56=]PRPLARSASP

ClinVar aggregate classification (germline): Benign (1 of 4 stars; one submission).

Conditions:
Lynch syndrome 5 (LYNCH5). Also called: Colorectal cancer, hereditary nonpolyposis, type 5; Hereditary non-polyposis colorectal cancer, type 5. Identifiers: Orphanet 144, MedGen C1833477, MONDO:0013710, OMIM 614350. Disease mechanism: loss of function.

Submission:

Myriad Genetics, Inc.
Classification: Benign for Lynch syndrome 5. Last evaluated: 2024-12-17. Review status: criteria provided, single submitter. Criteria: Myriad Autosomal Dominant, Autosomal Recessive and X-Linked Classification Criteria (2023). Collection method: clinical testing. Allele origin: unknown.
Comment: This variant is considered benign. This variant is a silent/synonymous amino acid change and it is not expected to impact splicing.